The following is an entry in ClinVar:

NM_014781.5(RB1CC1):c.1173+1G>T

Gene: RB1CC1 (RB1 inducible coiled-coil 1; minus strand). Cytogenetic location: 8q11.23.
Variant type: single nucleotide variant.
Coding change: c.1173+1G>T on transcript NM_014781.5 (MANE Select); the canonical splice donor site of the intron after coding-DNA position 1173, G replaced by T.
Molecular consequence: splice donor variant.
Genome position (GRCh38, 1-based): chr8:52,668,020, C>A on the plus strand (G>T on the coding strand, the complement: RB1CC1 is on the minus strand). VCF-style: chr8-52668020-C-A. GRCh37 (hg19) VCF-style: chr8-53580580-C-A.
Other names: NC_000008.10:g.53580580C>A; c.1173+1G>T (NM_001083617.2, NM_014781.4).
Identifiers: ClinVar variation 4347563 (VCV004347563.2).

ClinVar aggregate classification (germline): Uncertain significance (1 of 4 stars; one submission).

Conditions:
RB1CC1-related condition.

Submissions (2):

PreventionGenetics, part of Exact Sciences
Classification: Uncertain significance for RB1CC1-related condition. Last evaluated: 2025-03-12. Review status: criteria provided, single submitter. Criteria: ACMG Guidelines, 2015. Collection method: clinical testing. Allele origin: germline.
Comment: The RB1CC1 c.1173+1G>T variant is predicted to disrupt the GT donor site and interfere with normal splicing. To our knowledge, this variant has not been reported in the literature or in a large population database (gnomAD), indicating this variant is rare. At this time, the clinical significance of this variant is uncertain due to the absence of conclusive functional and genetic evidence.

Dr. Peter K. Rogan Lab, Western University
No classification provided (evidence only). Condition: Uterine corpus endometrial carcinoma. Review status: no classification provided. Collection method: in vitro. Allele origin: not applicable. Functional consequence: retained intron. Not counted in ClinVar's aggregate classification.